The following is an entry in ClinVar:

NM_024422.6(DSC2):c.1401G>A (p.Glu467=)

Gene: DSC2 (desmocollin 2; minus strand). Cytogenetic location: 18q12.1.
Variant type: single nucleotide variant.
Coding change: c.1401G>A on transcript NM_024422.6 (MANE Select); coding-DNA position 1401, G replaced by A.
Protein change: p.Glu467=; no amino-acid change (glutamic acid 467 retained).
Molecular consequence: synonymous variant.
Genome position (GRCh38, 1-based): chr18:31,080,215, C>T on the plus strand (G>A on the coding strand, the complement: DSC2 is on the minus strand). VCF-style: chr18-31080215-C-T. GRCh37 (hg19) VCF-style: chr18-28660181-C-T.
Other names: c.1401G>A, p.Glu467= (NM_004949.5).
Identifiers: ClinVar variation 701403 (VCV000701403.21), dbSNP rs977781359, ClinGen allele CA297637016.

ClinVar aggregate classification (germline): Conflicting classifications of pathogenicity. Review status: criteria provided, conflicting classifications (1 of 4 stars). 7 submissions from 7 submitters: Uncertain significance (1); Benign (1); Likely benign (5). Last evaluated 2025-08-01.

Conditions:
Cardiovascular phenotype. Identifiers: MedGen CN230736.
Familial isolated arrhythmogenic right ventricular dysplasia. Identifiers: Orphanet 217656, MedGen C4274968, MONDO:0016342.
Arrhythmogenic right ventricular dysplasia 11. Also called: Arrhythmogenic right ventricular dysplasia 11 with mild palmoplantar keratoderma and woolly hair; Arrhythmogenic Right Ventricular Dysplasia/Cardiomyopathy11; ARRHYTHMOGENIC RIGHT VENTRICULAR DYSPLASIA, FAMILIAL, 11. Identifiers: MedGen C1864850, MONDO:0012506, OMIM 610476.
Cardiomyopathy (CMYO). Also called: Cardiomyopathies. Identifiers: Orphanet 167848, MedGen C0878544, MONDO:0004994, HP:0001638. Inheritance: Various modes of inheritance.

Allele frequency attached by ClinVar (database versions not stated): gnomAD exomes below 0.00001 and 0.00003; gnomAD 0.00002; TOPMed 0.00002.
gnomAD v4.1: 46 of 1,613,930 alleles (0.0029%); highest among the groups gnomAD compares: Non-Finnish European, 0.0038%; no homozygotes.

Submissions (7):

Labcorp Genetics (formerly Invitae), Labcorp
Classification: Likely benign for Arrhythmogenic right ventricular dysplasia 11. Last evaluated: 2025-08-01. Review status: criteria provided, single submitter. Criteria: Invitae Variant Classification Sherloc (09022015). Collection method: clinical testing. Allele origin: germline.

Ambry Genetics
Classification: Likely benign for Cardiovascular phenotype. Last evaluated: 2024-02-18. Review status: criteria provided, single submitter. Criteria: Ambry Variant Classification Scheme 2023. Collection method: clinical testing. Allele origin: germline.

All of Us Research Program, National Institutes of Health
Classification: Likely benign for Familial isolated arrhythmogenic right ventricular dysplasia. Last evaluated: 2023-10-30. Review status: criteria provided, single submitter. Criteria: ACMG Guidelines, 2015. Collection method: clinical testing. Allele origin: germline. Inheritance: Autosomal dominant inheritance. Observed: 5 variant alleles, 5 heterozygotes.
Comment: This study involves interpretation of variants in research participants for the purpose of population health screening. Participant phenotype was not available at the time of variant classification. Additional details can be found in publication PMID: 35346344, PMCID: PMC8962531

Color Diagnostics, LLC DBA Color Health
Classification: Likely benign for Cardiomyopathy. Last evaluated: 2021-08-03. Review status: criteria provided, single submitter. Criteria: ACMG Guidelines, 2015. Collection method: clinical testing. Allele origin: germline.

Blueprint Genetics
Classification: Likely benign. Last evaluated: 2019-05-15. Review status: criteria provided, single submitter. Criteria: ACMG Guidelines, 2015. Collection method: clinical testing. Allele origin: germline.

Illumina Laboratory Services, Illumina
Classification: Uncertain significance for Arrhythmogenic right ventricular dysplasia 11. Last evaluated: 2018-01-12. Review status: criteria provided, single submitter. Criteria: ICSL Variant Classification Criteria 13 December 2019. Collection method: clinical testing. Allele origin: germline.

GeneDx
Classification: Benign. Last evaluated: 2015-03-03. Review status: criteria provided, single submitter. Criteria: GeneDx Variant Classification Process June 2021. Collection method: clinical testing. Allele origin: germline. Affected: yes.